The following is an entry in ClinVar:

NM_000038.6(APC):c.1694A>G (p.Glu565Gly)

Gene: APC (APC regulator of Wnt signaling pathway; plus strand). Cytogenetic location: 5q22.2.
Variant type: single nucleotide variant.
Coding change: c.1694A>G on transcript NM_000038.6 (MANE Select); coding-DNA position 1694, A replaced by G.
Protein change: p.Glu565Gly; replaces glutamic acid 565 with glycine.
Molecular consequence: missense variant.
Genome position (GRCh38, 1-based): chr5:112,828,923, A>G. VCF-style: chr5-112828923-A-G. GRCh37 (hg19) VCF-style: chr5-112164620-A-G.
Other names: c.1694A>G, p.Glu565Gly (NM_001127510.3, NM_001354895.2); c.1640A>G, p.Glu547Gly (NM_001127511.3); c.1748A>G, p.Glu583Gly (NM_001354896.2); c.1724A>G, p.Glu575Gly (NM_001354897.2); c.1619A>G, p.Glu540Gly (NM_001354898.2); c.1610A>G, p.Glu537Gly (NM_001354899.2); c.1571A>G, p.Glu524Gly (NM_001354900.2); c.1517A>G, p.Glu506Gly (NM_001354901.2); and 5 more; short protein forms E282G, E405G, E439G, E464G, E474G, E506G, E524G, E537G.
Identifiers: ClinVar variation 1009982 (VCV001009982.10), dbSNP rs1764019365, ClinGen allele CA16025009.

ClinVar aggregate classification (germline): Uncertain significance (1 of 4 stars; one submission).

Conditions:
Familial adenomatous polyposis 1 (FAP1). Also called: FAMILIAL ADENOMATOUS POLYPOSIS 1, ATTENUATED; POLYPOSIS, ADENOMATOUS INTESTINAL. Identifiers: MedGen C2713442, MONDO:0021056, OMIM 175100. Disease mechanism: loss of function.

Submission:

Labcorp Genetics (formerly Invitae), Labcorp
Classification: Uncertain significance for Familial adenomatous polyposis 1. Last evaluated: 2020-06-30. Review status: criteria provided, single submitter. Criteria: Invitae Variant Classification Sherloc (09022015). Collection method: clinical testing. Allele origin: germline.
Comment: This sequence change replaces glutamic acid with glycine at codon 565 of the APC protein (p.Glu565Gly). The glutamic acid residue is highly conserved and there is a moderate physicochemical difference between glutamic acid and glycine. In summary, the available evidence is currently insufficient to determine the role of this variant in disease. Therefore, it has been classified as a Variant of Uncertain Significance. Algorithms developed to predict the effect of missense changes on protein structure and function are either unavailable or do not agree on the potential impact of this missense change (SIFT: "Deleterious"; PolyPhen-2: "Possibly Damaging"; Align-GVGD: "Class C15"). This variant has not been reported in the literature in individuals with APC-related conditions. This variant is not present in population databases (ExAC no frequency).